The following is an entry in ClinVar:

NM_001005273.3(CHD3):c.3020T>G (p.Leu1007Trp)

Gene: CHD3 (chromodomain helicase DNA binding protein 3; plus strand). Cytogenetic location: 17p13.1.
Variant type: single nucleotide variant.
Coding change: c.3020T>G on transcript NM_001005273.3 (MANE Select); coding-DNA position 3020, T replaced by G.
Protein change: p.Leu1007Trp; replaces leucine 1007 with tryptophan.
Molecular consequence: missense variant.
Genome position (GRCh38, 1-based): chr17:7,900,893, T>G. VCF-style: chr17-7900893-T-G. GRCh37 (hg19) VCF-style: chr17-7804211-T-G.
Other names: c.3197T>G, p.Leu1066Trp (NM_001005271.3); c.3020T>G, p.Leu1007Trp (NM_005852.4); short protein forms L1007W, L1066W.
Identifiers: ClinVar variation 3377249 (VCV003377249.1).
Genomic context (GRCh38, chr17:7,900,893, plus strand): 5'-CCCCTTTCCTGGCCTTTAGGAAATACTACAAATACATCCTGACTCGAAATTTTGAGGCCT[T>G]GAATTCACGAGGTGGTGGGAACCAGGTGTCGCTGCTTAATATCATGATGGATCTTAAGAA-3'
Protein context (NP_001005273.1, residues 997-1017): KYILTRNFEA[Leu1007Trp]NSRGGGNQVS

ClinVar aggregate classification (germline): Likely pathogenic (1 of 4 stars; one submission).

Conditions:
Snijders Blok-Campeau syndrome. Also called: INTELLECTUAL DEVELOPMENTAL DISORDER WITH MACROCEPHALY, SPEECH DELAY, AND DYSMORPHIC FACIES. Identifiers: Orphanet 599082, MedGen C4748701, MONDO:0032600, OMIM 618205.

Submission:

Victorian Clinical Genetics Services, Murdoch Childrens Research Institute
Classification: Likely pathogenic for Snijders Blok-Campeau syndrome. Last evaluated: 2024-10-10. Review status: criteria provided, single submitter. Criteria: ACMG Guidelines, 2015. Collection method: clinical testing. Allele origin: germline. Inheritance: Autosomal dominant inheritance. Affected: yes.
Comment: Based on the classification scheme VCGS_Germline_v1.3.5, this variant is classified as Likely pathogenic. Following criteria are met: 0103 - Loss of function and gain of function are known mechanisms of disease in this gene and are associated with Snijders Blok-Campeau syndrome (MIM#618205), however no clear genotype-phenotype correlations have been identified to determine how both overactivity and underactivity of CHD3 can result in the same phenotype (PMID: 32483341). (I) 0107 - This gene is associated with autosomal dominant disease. (I) 0115 - Variants in this gene are known to have variable expressivity. Variable expressivity has been reported including inheritance from mildly affected parents (PMID: 35346573). (I) 0200 - Variant is predicted to result in a missense amino acid change from leucine to tryptophan. (I) 0251 - This variant is heterozygous. (I) 0301 - Variant is absent from gnomAD (v2, v3 and v4). (SP) 0502 - Missense variant with conflicting in silico predictions and uninformative conservation. (I) 0603 - Missense variant in a region that is highly intolerant to missense variation (gnomAD). (SP) 0705 - No comparable missense variants have previous evidence for pathogenicity. (I) 0807 - This variant has no previous evidence of pathogenicity. (I) 0905 - No published segregation evidence has been identified for this variant. (I) 1007 - No published functional evidence has been identified for this variant. (SP) Legend: (SP) - Supporting pathogenic, (I) - Information, (SB) - Supporting benign

Literature cited by the submitters: PubMed 32483341; PubMed 35346573.